The following is an entry in ClinVar:

NM_001032283.3(TMPO):c.380A>G (p.Tyr127Cys)

Gene: TMPO (thymopoietin; plus strand). Cytogenetic location: 12q23.1.
Variant type: single nucleotide variant.
Coding change: c.380A>G on transcript NM_001032283.3 (MANE Select); coding-DNA position 380, A replaced by G.
Protein change: p.Tyr127Cys; replaces tyrosine 127 with cysteine.
Molecular consequence: missense variant.
Genome position (GRCh38, 1-based): chr12:98,527,986, A>G. VCF-style: chr12-98527986-A-G. GRCh37 (hg19) VCF-style: chr12-98921764-A-G.
Other names: c.380A>G, p.Tyr127Cys (NM_001032284.3, NM_001307975.2, NM_003276.2); short protein forms Y127C.
Identifiers: ClinVar variation 1035147 (VCV001035147.10), dbSNP rs1259294108, ClinGen allele CA386150915.

ClinVar aggregate classification (germline): Uncertain significance. Review status: criteria provided, multiple submitters, no conflicts (2 of 4 stars). 2 submissions from 2 submitters: Uncertain significance (2). Last evaluated 2024-03-30.

Conditions:
Loeys-Dietz syndrome 2 (LDS2). Also called: AORTIC ANEURYSM, FAMILIAL THORACIC 3; MARFAN SYNDROME, TYPE II; Marfan syndrome, type 2 (formerly); Marfan Syndrome type 2; Marfan like connective tissue disorder; MFS 2. Identifiers: Orphanet 284973, Orphanet 558, MedGen C2674574, MONDO:0012427, OMIM 610168.

Allele frequency attached by ClinVar (database versions not stated): TOPMed below 0.00001; gnomAD exomes 0.00002.

Submissions (2):

Ambry Genetics
Classification: Uncertain significance. Last evaluated: 2024-03-30. Review status: criteria provided, single submitter. Criteria: Ambry Variant Classification Scheme 2023. Collection method: clinical testing. Allele origin: germline.
Comment: The p.Y127C variant (also known as c.380A>G), located in coding exon 2 of the TMPO gene, results from an A to G substitution at nucleotide position 380. The tyrosine at codon 127 is replaced by cysteine, an amino acid with highly dissimilar properties. This amino acid position is conserved. In addition, the in silico prediction for this alteration is inconclusive. Based on the available evidence, the clinical significance of this alteration remains unclear.

Labcorp Genetics (formerly Invitae), Labcorp
Classification: Uncertain significance for Loeys-Dietz syndrome 2. Last evaluated: 2020-01-07. Review status: criteria provided, single submitter. Criteria: Invitae Variant Classification Sherloc (09022015). Collection method: clinical testing. Allele origin: germline.
Comment: This sequence change replaces tyrosine with cysteine at codon 127 of the TMPO protein (p.Tyr127Cys). The tyrosine residue is highly conserved and there is a large physicochemical difference between tyrosine and cysteine. In summary, the available evidence is currently insufficient to determine the role of this variant in disease. Therefore, it has been classified as a Variant of Uncertain Significance. Algorithms developed to predict the effect of missense changes on protein structure and function (SIFT, PolyPhen-2, Align-GVGD) all suggest that this variant is likely to be disruptive, but these predictions have not been confirmed by published functional studies and their clinical significance is uncertain. This variant has not been reported in the literature in individuals with TMPO-related conditions. This variant is not present in population databases (ExAC no frequency).